The following is an entry in ClinVar:

ClinVar aggregate classification (germline): Uncertain significance. Review status: criteria provided, multiple submitters, no conflicts (2 of 4 stars). 3 submissions from 3 submitters: Uncertain significance (3). Last evaluated 2024-06-17.

Allele frequency attached by ClinVar (database versions not stated): gnomAD 0.00001; TOPMed 0.00001.
gnomAD v4.1: 1 of 1,614,018 alleles (0.000062%); highest among the groups gnomAD compares: Non-Finnish European, 0.000085%; no homozygotes.

Submissions (3):

GeneDx
Classification: Uncertain significance. Last evaluated: 2024-06-17. Review status: criteria provided, single submitter. Criteria: GeneDx Variant Classification Process June 2021. Collection method: clinical testing. Allele origin: germline. Affected: yes.
Comment: Not observed at significant frequency in large population cohorts (gnomAD); In silico analysis supports that this missense variant has a deleterious effect on protein structure/function; Has not been previously published as pathogenic or benign to our knowledge

Blueprint Genetics
Classification: Uncertain significance. Last evaluated: 2024-01-30. Review status: criteria provided, single submitter. Criteria: ACMG Guidelines, 2015. Collection method: clinical testing. Allele origin: germline.

Labcorp Genetics (formerly Invitae), Labcorp
Classification: Uncertain significance. Last evaluated: 2023-11-27. Review status: criteria provided, single submitter. Criteria: Invitae Variant Classification Sherloc (09022015). Collection method: clinical testing. Allele origin: germline.
Comment: This sequence change replaces lysine, which is basic and polar, with glutamic acid, which is acidic and polar, at codon 1330 of the CLTC protein (p.Lys1330Glu). This variant is not present in population databases (gnomAD no frequency). This variant has not been reported in the literature in individuals affected with CLTC-related conditions. Advanced modeling of protein sequence and biophysical properties (such as structural, functional, and spatial information, amino acid conservation, physicochemical variation, residue mobility, and thermodynamic stability) performed at Invitae indicates that this missense variant is expected to disrupt CLTC protein function with a positive predictive value of 80%. In summary, the available evidence is currently insufficient to determine the role of this variant in disease. Therefore, it has been classified as a Variant of Uncertain Significance.

NM_004859.4(CLTC):c.3976A>G (p.Lys1326Glu)

Genes: CLTC (clathrin heavy chain; plus strand), LOC126862609 (CDK7 strongly-dependent group 2 enhancer GRCh37_chr17:57760547-57761746; plus strand). Cytogenetic location: 17q23.1.
Variant type: single nucleotide variant.
Coding change: c.3976A>G on transcript NM_004859.4 (MANE Select); coding-DNA position 3976, A replaced by G.
Protein change: p.Lys1326Glu; replaces lysine 1326 with glutamic acid.
Molecular consequence: missense variant.
Genome position (GRCh38, 1-based): chr17:59,683,197, A>G. VCF-style: chr17-59683197-A-G. GRCh37 (hg19) VCF-style: chr17-57760558-A-G.
Other names: c.3988A>G, p.Lys1330Glu (NM_001288653.2); c.3988A>G (NM_001288653.1); short protein forms K1326E, K1330E.
Identifiers: ClinVar variation 2810391 (VCV002810391.5), dbSNP rs2033114160, ClinGen allele CA400419851.